The following is an entry in ClinVar:

NM_000053.4(ATP7B):c.2873A>G (p.Asn958Ser)

Gene: ATP7B (ATPase copper transporting beta; minus strand). Cytogenetic location: 13q14.3.
Variant type: single nucleotide variant.
Coding change: c.2873A>G on transcript NM_000053.4 (MANE Select); coding-DNA position 2873, A replaced by G.
Protein change: p.Asn958Ser; replaces asparagine 958 with serine.
Molecular consequence: missense variant.
Genome position (GRCh38, 1-based): chr13:51,946,471, T>C on the plus strand (A>G on the coding strand, the complement: ATP7B is on the minus strand). VCF-style: chr13-51946471-T-C. GRCh37 (hg19) VCF-style: chr13-52520607-T-C.
Other names: c.2252A>G, p.Asn751Ser (NM_001005918.3); c.2540A>G, p.Asn847Ser (NM_001243182.2); c.2639A>G, p.Asn880Ser (NM_001330578.2, NM_001406527.1, NM_001406528.1 and 1 more transcripts); c.2621A>G, p.Asn874Ser (NM_001330579.2, NM_001406531.1, NM_001406532.1); c.2873A>G, p.Asn958Ser (NM_001406511.1, NM_001406512.1, NM_001406513.1 and 2 more transcripts); c.2840A>G, p.Asn947Ser (NM_001406514.1); c.2633A>G, p.Asn878Ser (NM_001406530.1); c.2585A>G, p.Asn862Ser (NM_001406534.1); and 12 more; short protein forms N528S, N742S, N751S, N764S, N796S, N815S, N842S, N847S.
Identifiers: ClinVar variation 2420390 (VCV002420390.4), dbSNP rs1361712046, ClinGen allele CA388032571.

ClinVar aggregate classification (germline): Uncertain significance. Review status: criteria provided, multiple submitters, no conflicts (2 of 4 stars). 2 submissions from 2 submitters: Uncertain significance (2). Last evaluated 2024-06-09.

Conditions:
Wilson disease (WND). Also called: Wilson's disease. Identifiers: Orphanet 905, MedGen C0019202, MONDO:0010200, OMIM 277900. Disease mechanism: loss of function.

gnomAD v4.1: 3 of 1,614,158 alleles (0.00019%); highest among the groups gnomAD compares: East Asian, 0.0022%; no homozygotes.

Submissions (2):

All of Us Research Program, National Institutes of Health
Classification: Uncertain significance for Wilson disease. Last evaluated: 2024-06-09. Review status: criteria provided, single submitter. Criteria: ACMG Guidelines, 2015. Collection method: clinical testing. Allele origin: germline. Inheritance: Autosomal recessive inheritance. Observed: 1 variant allele, 1 heterozygote.
Comment: This missense variant replaces asparagine with serine at codon 958 of the ATP7B protein. Computational prediction suggests that this variant may not impact protein structure and function (internally defined REVEL score threshold <= 0.5, PMID: 27666373). To our knowledge, functional studies have not been reported for this variant. This variant has not been reported in individuals affected with ATP7B-related disorders in the literature. This variant has been identified in 2/249366 chromosomes in the general population by the Genome Aggregation Database (gnomAD). The available evidence is insufficient to determine the role of this variant in disease conclusively. Therefore, this variant is classified as a Variant of Uncertain Significance.

This study involves interpretation of variants in research participants for the purpose of population health screening. Participant phenotype was not available at the time of variant classification. Additional details can be found in publication PMID: 35346344, PMCID: PMC8962531

Labcorp Genetics (formerly Invitae), Labcorp
Classification: Uncertain significance for Wilson disease. Last evaluated: 2022-02-08. Review status: criteria provided, single submitter. Criteria: Invitae Variant Classification Sherloc (09022015). Collection method: clinical testing. Allele origin: germline.
Comment: This sequence change replaces asparagine, which is neutral and polar, with serine, which is neutral and polar, at codon 958 of the ATP7B protein (p.Asn958Ser). This variant is present in population databases (no rsID available, gnomAD 0.006%). This variant has not been reported in the literature in individuals affected with ATP7B-related conditions. Advanced modeling of protein sequence and biophysical properties (such as structural, functional, and spatial information, amino acid conservation, physicochemical variation, residue mobility, and thermodynamic stability) performed at Invitae indicates that this missense variant is not expected to disrupt ATP7B protein function. In summary, the available evidence is currently insufficient to determine the role of this variant in disease. Therefore, it has been classified as a Variant of Uncertain Significance.